The following is an entry in ClinVar:

NM_006009.4(TUBA1A):c.1216C>G (p.His406Asp)

Gene: TUBA1A (tubulin alpha 1a; minus strand). Cytogenetic location: 12q13.12.
Variant type: single nucleotide variant.
Coding change: c.1216C>G on transcript NM_006009.4 (MANE Select); coding-DNA position 1216, C replaced by G.
Protein change: p.His406Asp; replaces histidine 406 with aspartic acid.
Molecular consequence: missense variant.
Genome position (GRCh38, 1-based): chr12:49,185,150, G>C on the plus strand (C>G on the coding strand, the complement: TUBA1A is on the minus strand). VCF-style: chr12-49185150-G-C. GRCh37 (hg19) VCF-style: chr12-49578933-G-C.
Other names: c.1216C>G, p.His406Asp (NM_001270399.2); c.1111C>G, p.His371Asp (NM_001270400.2); short protein forms H371D, H406D.
Identifiers: ClinVar variation 988578 (VCV000988578.3), dbSNP rs1942163977, ClinGen allele CA384634591.

ClinVar aggregate classification (germline): Conflicting classifications of pathogenicity. Review status: criteria provided, conflicting classifications (1 of 4 stars). 2 submissions from 2 submitters: Pathogenic (1); Uncertain significance (1). Last evaluated 2024-12-31.

Conditions:
Congenital bilateral perisylvian syndrome. Also called: Perisylvian syndrome; Bilateral perisylvian polymicrogyria. Identifiers: Orphanet 98889, MedGen C1845668, MONDO:0020340, HP:0032407.
Congenital fibrosis of extraocular muscles. Also called: Congenital Fibrosis of the Extraocular Muscles. Identifiers: Orphanet 45358, MedGen C1302995, MONDO:0007614, HP:0001491.

Submissions (2):

Labcorp Genetics (formerly Invitae), Labcorp
Classification: Uncertain significance. Last evaluated: 2024-12-31. Review status: criteria provided, single submitter. Criteria: Invitae Variant Classification Sherloc (09022015). Collection method: clinical testing. Allele origin: germline.
Comment: This sequence change replaces histidine, which is basic and polar, with aspartic acid, which is acidic and polar, at codon 406 of the TUBA1A protein (p.His406Asp). This variant is not present in population databases (gnomAD no frequency). This missense change has been observed in individual(s) with congenital fibrosis of the extraocular muscles (PMID: 33649541). ClinVar contains an entry for this variant (Variation ID: 988578). Invitae Evidence Modeling of protein sequence and biophysical properties (such as structural, functional, and spatial information, amino acid conservation, physicochemical variation, residue mobility, and thermodynamic stability) indicates that this missense variant is expected to disrupt TUBA1A protein function with a positive predictive value of 80%. In summary, the available evidence is currently insufficient to determine the role of this variant in disease. Therefore, it has been classified as a Variant of Uncertain Significance.

Engle Laboratory, Boston Children's Hospital
Classification: Pathogenic for Congenital fibrosis of extraocular muscles; Congenital bilateral perisylvian syndrome. Last evaluated: 2020-11-25. Review status: criteria provided, single submitter. Criteria: ACMG Guidelines, 2015. Collection method: research. Allele origin: de novo. Affected: yes. Observed: 1 variant allele, 1 heterozygote.
Comment: We have classified this variant using ACMG criteria (Richards et al., 2015) in November of 2020. These criteria are not applicable for novel gene identification and have limited utility for significant novel phenotype expansion. Classification is provided for established TUBA1A-associated tubulinopathy phenotypes, but excludes novel phenotypes that have been observed in the proband with this variant but are not yet well established in association with TUBA1A variants, e.g. congenital fibrosis of the extraocular muscles. We have thus classified the p.(His406Asp) variant as pathogenic for classic tubulinopathy phenotypes based on the following evidence: 1) The p.(His406Asp) variant is a non-truncating nonsynonymous variant in a residue located within the Tubulin/FtsZ, C-terminal domain, in the Î± helix H11 of TUBA1A on the MT surface. This is a functionally important region which which is depleted of benign missense variants and which contains other residues associated with tubulinopathies (PM1_Moderate). 2) The p.(His406Asp) variant has not been reported in the gnomAD database (PM2_Moderate). Paternity and maternity have been confirmed. (PS2_Strong). 4) The TUBA1A gene is lacking in missense benign variants, and missense TUBA1A variants are a common mechanism of disease. The gene is heavily missense constrained (PP2_Supporting). 5) The amino acid is highly conserved (high PhyloP score) and the p.(His406Asp) variant is predicted by multiple in silico models (e.g. CADD score) to have a deleterious effect on protein function (PP3_Supporting).

Literature cited by the submitters: PubMed 33649541 (cited by Labcorp Genetics (formerly Invitae), Labcorp).